The following is an entry in ClinVar:

ClinVar aggregate classification (germline): Uncertain significance. Review status: criteria provided, multiple submitters, no conflicts (2 of 4 stars). 2 submissions from 2 submitters: Uncertain significance (2). Last evaluated 2025-04-13.

Allele frequency attached by ClinVar (database versions not stated): gnomAD 0.00001; gnomAD exomes 0.00001; TOPMed 0.00001.
gnomAD v4.1: 22 of 1,613,652 alleles (0.0014%); highest among the groups gnomAD compares: Non-Finnish European, 0.0018%; no homozygotes.

Submissions (2):

Ambry Genetics
Classification: Uncertain significance. Last evaluated: 2025-04-13. Review status: criteria provided, single submitter. Criteria: Ambry Variant Classification Scheme 2023. Collection method: clinical testing. Allele origin: germline.

Labcorp Genetics (formerly Invitae), Labcorp
Classification: Uncertain significance. Last evaluated: 2022-04-18. Review status: criteria provided, single submitter. Criteria: Invitae Variant Classification Sherloc (09022015). Collection method: clinical testing. Allele origin: germline.
Comment: This sequence change replaces threonine, which is neutral and polar, with isoleucine, which is neutral and non-polar, at codon 218 of the DNASE2 protein (p.Thr218Ile). The frequency data for this variant in the population databases is considered unreliable, as metrics indicate poor data quality at this position in the gnomAD database. This variant has not been reported in the literature in individuals affected with DNASE2-related conditions. Algorithms developed to predict the effect of missense changes on protein structure and function are either unavailable or do not agree on the potential impact of this missense change (SIFT: "Deleterious"; PolyPhen-2: "Possibly Damaging"; Align-GVGD: "Class C0"). In summary, the available evidence is currently insufficient to determine the role of this variant in disease. Therefore, it has been classified as a Variant of Uncertain Significance.

NM_001375.3(DNASE2):c.653C>T (p.Thr218Ile)

Gene: DNASE2 (deoxyribonuclease 2, lysosomal; minus strand). Cytogenetic location: 19p13.13.
Variant type: single nucleotide variant.
Coding change: c.653C>T on transcript NM_001375.3 (MANE Select); coding-DNA position 653, C replaced by T.
Protein change: p.Thr218Ile; replaces threonine 218 with isoleucine.
Molecular consequence: missense variant.
Genome position (GRCh38, 1-based): chr19:12,878,438, G>A on the plus strand (C>T on the coding strand, the complement: DNASE2 is on the minus strand). VCF-style: chr19-12878438-G-A. GRCh37 (hg19) VCF-style: chr19-12989252-G-A.
Other names: c.653C>T (NM_001375.2); short protein forms T218I.
Identifiers: ClinVar variation 1915164 (VCV001915164.3), dbSNP rs935346827, ClinGen allele CA305497923.